The following is an entry in ClinVar:

NM_025137.4(SPG11):c.5077G>A (p.Ala1693Thr)

Gene: SPG11 (SPG11 vesicle trafficking associated, spatacsin; minus strand). Cytogenetic location: 15q21.1.
Variant type: single nucleotide variant.
Coding change: c.5077G>A on transcript NM_025137.4 (MANE Select); coding-DNA position 5077, G replaced by A.
Protein change: p.Ala1693Thr; replaces alanine 1693 with threonine.
Molecular consequence: missense variant.
Genome position (GRCh38, 1-based): chr15:44,585,680, C>T on the plus strand (G>A on the coding strand, the complement: SPG11 is on the minus strand). VCF-style: chr15-44585680-C-T. GRCh37 (hg19) VCF-style: chr15-44877878-C-T.
Other names: c.5077G>A, p.Ala1693Thr (NM_001160227.2); short protein forms A1693T.
Identifiers: ClinVar variation 835790 (VCV000835790.8), dbSNP rs753244084, ClinGen allele CA7534503.

ClinVar aggregate classification (germline): Uncertain significance. Review status: criteria provided, multiple submitters, no conflicts (2 of 4 stars). 2 submissions from 2 submitters: Uncertain significance (2). Last evaluated 2021-12-25.

Conditions:
Inborn genetic diseases. Identifiers: MedGen C0950123, MeSH D030342.
Hereditary spastic paraplegia 11. Also called: Spastic paraplegia, mental retardation and thin corpus callosum; Nakamura Osame syndrome; Autosomal recessive hereditary spastic paraplegia, mental impairment, and thin corpus callosum; SPASTIC PARAPLEGIA, AUTOSOMAL RECESSIVE, COMPLICATED, WITH THIN CORPUS CALLOSUM; SPASTIC PARAPLEGIA, AUTOSOMAL RECESSIVE, WITH MENTAL IMPAIRMENT AND THIN CORPUS CALLOSUM; Spastic Paraplegia 11. Identifiers: Orphanet 2822, MedGen C1858479, MONDO:0011445, OMIM 604360.

Allele frequency attached by ClinVar (database versions not stated): gnomAD exomes 0.00001; ExAC 0.00002.

Submissions (2):

Labcorp Genetics (formerly Invitae), Labcorp
Classification: Uncertain significance for Hereditary spastic paraplegia 11. Last evaluated: 2021-12-25. Review status: criteria provided, single submitter. Criteria: Invitae Variant Classification Sherloc (09022015). Collection method: clinical testing. Allele origin: germline.
Comment: This sequence change replaces alanine, which is neutral and non-polar, with threonine, which is neutral and polar, at codon 1693 of the SPG11 protein (p.Ala1693Thr). This variant is present in population databases (rs753244084, gnomAD 0.003%). This variant has not been reported in the literature in individuals affected with SPG11-related conditions. ClinVar contains an entry for this variant (Variation ID: 835790). Algorithms developed to predict the effect of missense changes on protein structure and function are either unavailable or do not agree on the potential impact of this missense change (SIFT: "Deleterious"; PolyPhen-2: "Possibly Damaging"; Align-GVGD: "Class C0"). Algorithms developed to predict the effect of sequence changes on RNA splicing suggest that this variant may create or strengthen a splice site. In summary, the available evidence is currently insufficient to determine the role of this variant in disease. Therefore, it has been classified as a Variant of Uncertain Significance.

Ambry Genetics
Classification: Uncertain significance for Inborn genetic diseases. Last evaluated: 2019-11-12. Review status: criteria provided, single submitter. Criteria: Ambry Variant Classification Scheme 2023. Collection method: clinical testing. Allele origin: germline.
Comment: The p.A1693T variant (also known as c.5077G>A), located in coding exon 29 of the SPG11 gene, results from a G to A substitution at nucleotide position 5077. The alanine at codon 1693 is replaced by threonine, an amino acid with similar properties. This amino acid position is highly conserved in available vertebrate species. In addition, the in silico prediction for this alteration is inconclusive. Since supporting evidence is limited at this time, the clinical significance of this alteration remains unclear.